The following is an entry in ClinVar:

NM_004385.5(VCAN):c.3282A>G (p.Pro1094=)

Gene: VCAN (versican; plus strand). Cytogenetic location: 5q14.3.
Variant type: single nucleotide variant.
Coding change: c.3282A>G on transcript NM_004385.5 (MANE Select); coding-DNA position 3282, A replaced by G.
Protein change: p.Pro1094=; no amino-acid change (proline 1094 retained).
Molecular consequence: synonymous variant. On other transcripts: intron variant (2).
Genome position (GRCh38, 1-based): chr5:83,521,588, A>G. VCF-style: chr5-83521588-A-G. GRCh37 (hg19) VCF-style: chr5-82817407-A-G.
Other names: c.3282A>G, p.Pro1094= (NM_001164098.2); c.1042+9192A>G (NM_001164097.2, NM_001126336.3).
Identifiers: ClinVar variation 354418 (VCV000354418.15), dbSNP rs140613404, ClinGen allele CA3332987.

ClinVar aggregate classification (germline): Benign/Likely benign. Review status: criteria provided, multiple submitters, no conflicts (2 of 4 stars). 3 submissions from 3 submitters: Benign (1); Likely benign (2). Last evaluated 2022-03-13.

Conditions:
Vitreoretinopathy. Also called: Vitreoretinal degeneration. Identifiers: MedGen C0344290, MONDO:0020248, HP:0007773.

Allele frequency attached by ClinVar (database versions not stated): gnomAD 0.00001 and 0.00003; gnomAD exomes 0.00001; TOPMed 0.00001; 1000 Genomes Project 30x 0.00016; 1000 Genomes Project 0.00020.
gnomAD v4.1: 89 of 1,614,118 alleles (0.0055%); highest among the groups gnomAD compares: East Asian, 0.2%; no homozygotes.

Submissions (3):

Blueprint Genetics
Classification: Likely benign. Last evaluated: 2022-03-13. Review status: criteria provided, single submitter. Criteria: ACMG Guidelines, 2015. Collection method: clinical testing. Allele origin: germline.

Labcorp Genetics (formerly Invitae), Labcorp
Classification: Likely benign. Last evaluated: 2020-10-09. Review status: criteria provided, single submitter. Criteria: Invitae Variant Classification Sherloc (09022015). Collection method: clinical testing. Allele origin: germline.

Illumina Laboratory Services, Illumina
Classification: Benign for Vitreoretinopathy. Last evaluated: 2018-01-13. Review status: criteria provided, single submitter. Criteria: ICSL Variant Classification Criteria 13 December 2019. Collection method: clinical testing. Allele origin: germline.
Comment: This variant was observed in the ICSL laboratory as part of a predisposition screen in an ostensibly healthy population. It had not been previously curated by ICSL or reported in the Human Gene Mutation Database (HGMD: prior to June 1st, 2018), and was therefore a candidate for classification through an automated scoring system. Utilizing variant allele frequency, disease prevalence and penetrance estimates, and inheritance mode, an automated score was calculated to assess if this variant is too frequent to cause the disease. Based on the score and internal cut-off values, a variant classified as benign is not then subjected to further curation. The score for this variant resulted in a classification of benign for this disease.